The following is an entry in ClinVar:

NM_031475.3(ESPN):c.2000C>A (p.Pro667Gln)

Gene: ESPN (espin; plus strand). Cytogenetic location: 1p36.31.
Variant type: single nucleotide variant.
Coding change: c.2000C>A on transcript NM_031475.3 (MANE Select); coding-DNA position 2000, C replaced by A.
Protein change: p.Pro667Gln; replaces proline 667 with glutamine.
Molecular consequence: missense variant.
Genome position (GRCh38, 1-based): chr1:6,451,687, C>A. VCF-style: chr1-6451687-C-A. GRCh37 (hg19) VCF-style: chr1-6511747-C-A.
Other names: c.1910C>A, p.Pro637Gln (NM_001367473.1); c.1937C>A, p.Pro646Gln (NM_001367474.1); short protein forms P637Q, P646Q, P667Q.
Identifiers: ClinVar variation 3903384 (VCV003903384.2).

ClinVar aggregate classification (germline): Uncertain significance. Review status: criteria provided, multiple submitters, no conflicts (2 of 4 stars). 2 submissions from 2 submitters: Uncertain significance (2). Last evaluated 2024-12-11.

gnomAD v4.1: 27 of 1,613,152 alleles (0.0017%); highest among the groups gnomAD compares: Non-Finnish European, 0.0023%; no homozygotes.

Submissions (2):

GeneDx
Classification: Uncertain significance. Last evaluated: 2024-12-11. Review status: criteria provided, single submitter. Criteria: GeneDx Variant Classification Process June 2021. Collection method: clinical testing. Allele origin: germline. Affected: yes.
Comment: Not observed at significant frequency in large population cohorts (gnomAD); In silico analysis supports that this missense variant has a deleterious effect on protein structure/function; Has not been previously published as pathogenic or benign to our knowledge

Blueprint Genetics
Classification: Uncertain significance. Last evaluated: 2020-09-24. Review status: criteria provided, single submitter. Criteria: ACMG Guidelines, 2015. Collection method: clinical testing. Allele origin: germline.